The following is an entry in ClinVar:

ClinVar aggregate classification (germline): Uncertain significance (1 of 4 stars; one submission).

Conditions:
Heterotopia, periventricular, X-linked dominant (PVNH1). Also called: PERIVENTRICULAR NODULAR HETEROTOPIA 4; HETEROTOPIA, PERIVENTRICULAR, 1; PERIVENTRICULAR NODULAR HETEROTOPIA 1; X-linked periventricular heterotopia. Identifiers: Orphanet 2149, Orphanet 82004, MedGen C1848213, MONDO:0010233, OMIM 300049.
Melnick-Needles syndrome (MNS). Also called: MELNICK-NEEDLES OSTEODYSPLASTY; OSTEODYSPLASTY OF MELNICK AND NEEDLES; Melnick-Needles Syndrome (FLNA-MNS). Identifiers: Orphanet 2484, MedGen C0025237, MONDO:0010650, OMIM 309350.
Frontometaphyseal dysplasia (FMD1). Identifiers: Orphanet 1826, MedGen C0265293, MONDO:0015942.
Oto-palato-digital syndrome, type II (OPD2). Also called: FACIOPALATOOSSEOUS SYNDROME; OPD II SYNDROME; Otopalatodigital Syndrome, Type II; Otopalatodigital Syndrome Type 2 (FLNA-OPD2). Identifiers: Orphanet 669, Orphanet 90652, MedGen C1844696, MONDO:0010571, OMIM 304120.

Allele frequency attached by ClinVar (database versions not stated): gnomAD 0.00001.

Submission:

Labcorp Genetics (formerly Invitae), Labcorp
Classification: Uncertain significance for Oto-palato-digital syndrome, type II; Heterotopia, periventricular, X-linked dominant; Frontometaphyseal dysplasia; Melnick-Needles syndrome. Last evaluated: 2021-12-21. Review status: criteria provided, single submitter. Criteria: Invitae Variant Classification Sherloc (09022015). Collection method: clinical testing. Allele origin: germline.
Comment: In summary, the available evidence is currently insufficient to determine the role of this variant in disease. Therefore, it has been classified as a Variant of Uncertain Significance. Algorithms developed to predict the effect of sequence changes on RNA splicing suggest that this variant may create or strengthen a splice site. Advanced modeling of protein sequence and biophysical properties (such as structural, functional, and spatial information, amino acid conservation, physicochemical variation, residue mobility, and thermodynamic stability) performed at Invitae indicates that this missense variant is not expected to disrupt FLNA protein function. This variant has not been reported in the literature in individuals affected with FLNA-related conditions. This variant is not present in population databases (gnomAD no frequency). This sequence change replaces alanine, which is neutral and non-polar, with valine, which is neutral and non-polar, at codon 581 of the FLNA protein (p.Ala581Val).

NM_001110556.2(FLNA):c.1742C>T (p.Ala581Val)

Gene: FLNA (filamin A; minus strand). Cytogenetic location: Xq28.
Variant type: single nucleotide variant.
Coding change: c.1742C>T on transcript NM_001110556.2 (MANE Select); coding-DNA position 1742, C replaced by T.
Protein change: p.Ala581Val; replaces alanine 581 with valine.
Molecular consequence: missense variant.
Genome position (GRCh38, 1-based): chrX:154,364,907, G>A on the plus strand (C>T on the coding strand, the complement: FLNA is on the minus strand). VCF-style: chrX-154364907-G-A. GRCh37 (hg19) VCF-style: chrX-153593275-G-A.
Other names: c.1742C>T, p.Ala581Val (NM_001456.4); short protein forms A581V.
Identifiers: ClinVar variation 1372861 (VCV001372861.6), dbSNP rs2067744394, ClinGen allele CA415242624.